The following is an entry in ClinVar:

ClinVar aggregate classification (germline): Pathogenic. Review status: reviewed by expert panel (3 of 4 stars). 5 submissions from 5 submitters: Pathogenic (1). 4 of the submissions do not count toward it. Last evaluated 2024-04-22.

Conditions:
RPE65-related recessive retinopathy. Also called: Recessive RPE65 retinopathy. Identifiers: MedGen CN305526, MONDO:0100368.
Leber congenital amaurosis 2 (LCA2). Also called: Autosomal Recessive RPE65-Related Retinal Degeneration; AMAUROSIS CONGENITA OF LEBER II. Identifiers: Orphanet 65, MedGen C1859844, MONDO:0008765, OMIM 204100. Disease mechanism: loss of function.
Retinitis pigmentosa 20 (RP20). Identifiers: Orphanet 791, MedGen C3151086, MONDO:0013425, OMIM 613794.
Leber congenital amaurosis (LCA). Also called: Leber's amaurosis. Identifiers: Orphanet 65, MedGen C0339527, MeSH D057130, MONDO:0018998.

Allele frequency attached by ClinVar (database versions not stated): gnomAD exomes below 0.00001 and 0.00001; gnomAD 0.00001; TOPMed 0.00001.
gnomAD v4.1: 4 of 1,613,998 alleles (0.00025%); highest among the groups gnomAD compares: Non-Finnish European, 0.00034%; no homozygotes.

Submissions (5):

ClinGen Leber Congenital Amaurosis/early Onset Retinal Dystrophy Variant Curation Expert Panel, ClinGen
Classification: Pathogenic for RPE65-related recessive retinopathy. Last evaluated: 2024-04-22. Review status: reviewed by expert panel. Criteria: ClinGen LCAeoRD ACMG Specifications RPE65 V1.0.0. Collection method: curation. Allele origin: germline. Inheritance: Autosomal recessive inheritance.
Comment: The NM_000329.3(RPE65):c.938A>G (p.His313Arg) variant is a missense substitution at His313, which is located within the active site, a well-characterized functional domain required for enzymatic activity (PM1, PMID: 34492281).The computational predictor REVEL gives a score of 0.964 which is above the ClinGen LCA/eoRD VCEP threshold of ≥ 0.773 and predicts a damaging effect on RPE65 function (PP3_Moderate). The variant exhibited 0% enzymatic activity in a retinoid isomerase assay relative to the wild-type control, which is lower than the ClinGen LCA/eoRD VCEP PS3_Supporting threshold of <10% activity, indicating that it triggers a severe defect in protein function (PS3_Supporting, PMID: 24849605). At least one proband harboring this variant exhibits a phenotype including diagnosis of LCA (0.5 points), absent ERG (0.5 points), nystagmus (0.5 points) and decreased visual acuity (1 point). This patient showed significant improvement in several measures of dark-adapted vision after gene therapy treatment (8 points). Together these are highly specific for RPE65-related recessive retinopathy (10.5 points, PMID: 19854499, PP4_Moderate). This variant has been reported in at least 1 proband with early-onset severe retinal dystrophy who was homozygous for the variant (0.5 points, PMIDs: 35129589). This variant has also been reported in at least 1 proband with early-onset severe retinal dystrophy who was compound heterozygous with the c.292_311del(p.Ile98Hisfs*26) variant suspected in trans (0.5 points) and at least 1 proband with early-onset severe retinal dystrophy who was compound heterozygous with the p.Tyr386 variant suspected in trans (0.5 points) (PMID: 35129589), which were both previously classified pathogenic by the ClinGen LCA/eoRD VCEP. (1.5 total points, PM3).This variant is present in gnomAD v.4.0.0 at a GrpMax allele frequency of 0.000002280, with 4 alleles/418086 total alleles in the European (Non-Finnish) population, which is lower than the ClinGen LCA/eoRD VCEP PM2_Supporting threshold of <0.0002 (PM2_Supporting). In summary, this variant meets the criteria to be classified as Pathogenic for RPE65-related recessive retinopathy based on the ACMG/AMP criteria applied, as specified by the ClinGen LCA/eoRD VCEP: PP3_Moderate, PP4_Moderate, PM1, PM3, PM2_Supporting, PS3_Supporting. (VCEP specifications version 1.0.0; date of approval 09/21/2023)

Labcorp Genetics (formerly Invitae), Labcorp
Classification: Likely pathogenic for Leber congenital amaurosis 2; Retinitis pigmentosa 20. Last evaluated: 2024-02-02. Review status: criteria provided, single submitter. Criteria: Invitae Variant Classification Sherloc (09022015). Collection method: clinical testing. Allele origin: germline. Not counted in ClinVar's aggregate classification.
Comment: This sequence change replaces histidine, which is basic and polar, with arginine, which is basic and polar, at codon 313 of the RPE65 protein (p.His313Arg). This variant is not present in population databases (gnomAD no frequency). This missense change has been observed in individuals with early-onset severe retinal dystrophy, inherited retinal disease, and/or Leber congenital amaurosis (PMID: 17724218, 35129589, 36460718). ClinVar contains an entry for this variant (Variation ID: 1679125). Advanced modeling of protein sequence and biophysical properties (such as structural, functional, and spatial information, amino acid conservation, physicochemical variation, residue mobility, and thermodynamic stability) performed at Invitae indicates that this missense variant is expected to disrupt RPE65 protein function with a positive predictive value of 80%. Experimental studies have shown that this missense change affects RPE65 function (PMID: 24849605). This variant disrupts the p.His313 amino acid residue in RPE65. Other variant(s) that disrupt this residue have been observed in individuals with RPE65-related conditions (PMID: 17724218, 24066033), which suggests that this may be a clinically significant amino acid residue. In summary, the currently available evidence indicates that the variant is pathogenic, but additional data are needed to prove that conclusively. Therefore, this variant has been classified as Likely Pathogenic.

Women's Health and Genetics/Laboratory Corporation of America, LabCorp
Classification: Pathogenic for Leber congenital amaurosis. Last evaluated: 2024-01-16. Review status: criteria provided, single submitter. Criteria: LabCorp Variant Classification Summary - May 2015. Collection method: clinical testing. Allele origin: germline. Not counted in ClinVar's aggregate classification.
Comment: Variant summary: RPE65 c.938A>G (p.His313Arg) results in a non-conservative amino acid change in the encoded protein sequence. Five of five in-silico tools predict a damaging effect of the variant on protein function. The variant allele was found at a frequency of 4e-06 in 251390 control chromosomes (gnomAD). c.938A>G has been reported in the literature in multiple individuals affected with inherited retinal degeneration including Leber Congenital Amaurosis (e.g. Simonelli_2007, Testa_2022). These data indicate that the variant is very likely to be associated with disease. At least one publication reports experimental evidence evaluating an impact on protein function, finding no retinoid isomerase activity from the variant protein (Li_2014). The following publications have been ascertained in the context of this evaluation (PMID: 17724218, 24849605, 36271235). ClinVar contains an entry for this variant (Variation ID: 1679125). Based on the evidence outlined above, the variant was classified as pathogenic.

Baylor Genetics
Classification: Pathogenic for Leber congenital amaurosis 2. Last evaluated: 2023-12-23. Review status: criteria provided, single submitter. Criteria: ACMG Guidelines, 2015. Collection method: clinical testing. Allele origin: unknown. Not counted in ClinVar's aggregate classification.

Institute of Human Genetics, University of Leipzig Medical Center
Classification: Pathogenic for Leber congenital amaurosis 2. Last evaluated: 2022-04-21. Review status: criteria provided, single submitter. Criteria: ACMG Guidelines, 2015. Collection method: clinical testing. Allele origin: unknown. Affected: yes. Not counted in ClinVar's aggregate classification.
Comment: This variant was identified as compound heterozygous with NM_000329.3:c.859G>T._x000D_ Criteria applied: PS3, PM3, PM5, PM1_SUP, PM2_SUP, PP3

Literature cited by the submitters: PubMed 17724218 (cited by Labcorp Genetics (formerly Invitae), Labcorp and Women's Health and Genetics/Laboratory Corporation of America, LabCorp); PubMed 35129589 (cited by Labcorp Genetics (formerly Invitae), Labcorp); PubMed 36460718 (cited by Labcorp Genetics (formerly Invitae), Labcorp); PubMed 24849605 (cited by Labcorp Genetics (formerly Invitae), Labcorp and Women's Health and Genetics/Laboratory Corporation of America, LabCorp); PubMed 24066033 (cited by Labcorp Genetics (formerly Invitae), Labcorp); PubMed 36271235 (cited by Women's Health and Genetics/Laboratory Corporation of America, LabCorp).

NM_000329.3(RPE65):c.938A>G (p.His313Arg)

Gene: RPE65 (retinoid isomerohydrolase RPE65; minus strand). Cytogenetic location: 1p31.3.
Variant type: single nucleotide variant.
Coding change: c.938A>G on transcript NM_000329.3 (MANE Select); coding-DNA position 938, A replaced by G.
Protein change: p.His313Arg; replaces histidine 313 with arginine.
Molecular consequence: missense variant.
Genome position (GRCh38, 1-based): chr1:68,439,002, T>C on the plus strand (A>G on the coding strand, the complement: RPE65 is on the minus strand). VCF-style: chr1-68439002-T-C. GRCh37 (hg19) VCF-style: chr1-68904685-T-C.
Other names: NM_000329.3(RPE65):c.938A>G; p.His313Arg; short protein forms H313R.
Identifiers: ClinVar variation 1679125 (VCV001679125.10), dbSNP rs1375943362, ClinGen allele CA340744821.